The following is an entry in ClinVar:

NM_000755.5(CRAT):c.1463C>T (p.Thr488Met)

Gene: CRAT (carnitine O-acetyltransferase; minus strand). Cytogenetic location: 9q34.11.
Variant type: single nucleotide variant.
Coding change: c.1463C>T on transcript NM_000755.5 (MANE Select); coding-DNA position 1463, C replaced by T.
Protein change: p.Thr488Met; replaces threonine 488 with methionine.
Molecular consequence: missense variant.
Genome position (GRCh38, 1-based): chr9:129,098,014, G>A on the plus strand (C>T on the coding strand, the complement: CRAT is on the minus strand). VCF-style: chr9-129098014-G-A. GRCh37 (hg19) VCF-style: chr9-131860293-G-A.
Other names: c.1400C>T, p.Thr467Met (NM_001257363.3, NM_001346548.2, NM_004003.4); c.1466C>T, p.Thr489Met (NM_001346546.2); c.1463C>T, p.Thr488Met (NM_001346547.2); c.1343C>T, p.Thr448Met (NM_001346549.2); c.1463C>T (NM_000755.3); short protein forms T488M, T448M, T467M, T489M.
Identifiers: ClinVar variation 2139731 (VCV002139731.5), dbSNP rs745764606, ClinGen allele CA5275373.

ClinVar aggregate classification (germline): Uncertain significance. Review status: criteria provided, multiple submitters, no conflicts (2 of 4 stars). 2 submissions from 2 submitters: Uncertain significance (2). Last evaluated 2025-04-14.

Allele frequency attached by ClinVar (database versions not stated): ExAC 0.00002; TOPMed 0.00002; gnomAD 0.00003.
gnomAD v4.1: 45 of 1,613,150 alleles (0.0028%); highest among the groups gnomAD compares: Admixed American, 0.005%; no homozygotes.

Submissions (2):

Labcorp Genetics (formerly Invitae), Labcorp
Classification: Uncertain significance. Last evaluated: 2025-04-14. Review status: criteria provided, single submitter. Criteria: Invitae Variant Classification Sherloc (09022015). Collection method: clinical testing. Allele origin: germline.
Comment: This sequence change replaces threonine, which is neutral and polar, with methionine, which is neutral and non-polar, at codon 488 of the CRAT protein (p.Thr488Met). This variant is present in population databases (rs745764606, gnomAD 0.01%). This variant has not been reported in the literature in individuals affected with CRAT-related conditions. ClinVar contains an entry for this variant (Variation ID: 2139731). An algorithm developed to predict the effect of missense changes on protein structure and function outputs the following: PolyPhen-2: "Benign". The methionine amino acid residue is found in multiple mammalian species, which suggests that this missense change does not adversely affect protein function. In summary, the available evidence is currently insufficient to determine the role of this variant in disease. Therefore, it has been classified as a Variant of Uncertain Significance.

Ambry Genetics
Classification: Uncertain significance. Last evaluated: 2024-01-23. Review status: criteria provided, single submitter. Criteria: Ambry Variant Classification Scheme 2023. Collection method: clinical testing. Allele origin: germline.